The following is an entry in ClinVar:

ClinVar aggregate classification (germline): Uncertain significance (1 of 4 stars; one submission).

Conditions:
Gabriele de Vries syndrome. Identifiers: Orphanet 506358, MedGen C4479652, MONDO:0044738, OMIM 617557.

Allele frequency attached by ClinVar (database versions not stated): TOPMed below 0.00001; ExAC 0.00001.

Submission:

Foundation for Research in Genetics and Endocrinology, FRIGE's Institute of Human Genetics
Classification: Uncertain significance for Gabriele de Vries syndrome. Last evaluated: 2022-04-13. Review status: criteria provided, single submitter. Criteria: ACMG Guidelines, 2015. Collection method: clinical testing. Allele origin: germline. Inheritance: Autosomal dominant inheritance. Affected: yes. Observed: 1 heterozygote.
Comment: A heterozygous missense variation in exon 1 of the YY1 gene that result in the amino acid substitution of asparagine for aspartic acid at codon 144 (p.Asp144Asn) was detected. the p.Asp144Asn variant has not been reported in the 1000 genomes, and gnomAD databases. the in silico predictions of the variant are possibly damaging by PolyPhen-2 (HumDiv). the reference codon is conserved across species.

NM_003403.5(YY1):c.430G>A (p.Asp144Asn)

Gene: YY1 (YY1 transcription factor; plus strand). Cytogenetic location: 14q32.2.
Variant type: single nucleotide variant.
Coding change: c.430G>A on transcript NM_003403.5 (MANE Select); coding-DNA position 430, G replaced by A.
Protein change: p.Asp144Asn; replaces aspartic acid 144 with asparagine.
Molecular consequence: missense variant.
Genome position (GRCh38, 1-based): chr14:100,239,674, G>A. VCF-style: chr14-100239674-G-A. GRCh37 (hg19) VCF-style: chr14-100706011-G-A.
Other names: p.Asp144Asn; short protein forms D144N.
Identifiers: ClinVar variation 1711084 (VCV001711084.3), dbSNP rs770164761, ClinGen allele CA7344016.
Genomic context (GRCh38, chr14:100,239,674, plus strand): 5'-GAGGACGGCTTCGAGGATCAGATTCTCATCCCGGTGCCCGCGCCGGCCGGCGGCGACGAC[G>A]ACTACATTGAACAAACGCTGGTCACCGTGGCGGCGGCCGGCAAGAGCGGCGGCGGCGGCT-3'
Protein context (NP_003394.1, residues 134-154): PVPAPAGGDD[Asp144Asn]YIEQTLVTVA